The following is an entry in ClinVar:

NM_007294.4(BRCA1):c.4029TGA[1] (p.Asp1344del)

Genes: BRCA1 (BRCA1 DNA repair associated; minus strand), LOC126862571 (BRD4-independent group 4 enhancer GRCh37_chr17:41243136-41244335; plus strand). Cytogenetic location: 17q21.31.
Variant type: Microsatellite.
Coding change: c.4029TGA[1] on transcript NM_007294.4 (MANE Select); one copy of the 3-base unit TGA starting at c.4029; the reference has two copies in a row; one copy, 3 bases deleted; also written c.4032_4034del.
Protein change: p.Asp1344del; deletes aspartic acid 1344.
Molecular consequence: inframe deletion. On other transcripts: inframe indel (2), intron variant (135).
Genome position (GRCh38, 1-based): chr17:43,091,497-43,091,499, TCA deleted on the plus strand (TGA on the coding strand, the reverse complement: BRCA1 is on the minus strand); deleting any 3 consecutive bases within chr17:43,091,497-43,091,504 gives the same sequence; the position shown is the placement nearest the transcript's 3' end. VCF-style (leftmost placement, unchanged base first): chr17-43091496-TTCA-T. GRCh37 (hg19) VCF-style: chr17-41243513-TTCA-T.
Other names: c.4032_4034del (NM_007294.3, NM_007294.4); c.4032_4034delTGA (NM_007294.3); c.3816TGA[1], p.Asp1273del (NM_001407571.1, NM_001407853.1, NM_001407894.1 and 9 more transcripts); c.4029TGA[1], p.Asp1344del (NM_001407581.1, NM_001407582.1, NM_001407583.1 and 30 more transcripts); c.4026TGA[1], p.Asp1343del (NM_001407587.1, NM_001407590.1, NM_001407591.1 and 22 more transcripts); c.4020TGA[1], p.Asp1341del (NM_001407646.1, NM_001407647.1); c.3906TGA[1], p.Asp1303del (NM_001407648.1, NM_001407664.1, NM_001407665.1 and 19 more transcripts); c.3903TGA[1], p.Asp1302del (NM_001407649.1, NM_001407670.1, NM_001407671.1 and 11 more transcripts); and 43 more; short protein forms D1344del, D1297del, D1232del, D1233del, D1277del, D1296del, D1302del, D1317del.
Identifiers: ClinVar variation 55078 (VCV000055078.12), dbSNP rs397509129, ClinGen allele CA002572.
Genomic context (GRCh38, chr17:43,091,496, plus strand): 5'-TAAGTTTGAATCCATGCTTTGCTCTTCTTGATTATTTTCTTCCAAGCCCGTTCCTCTTTC[TTCA>T]TCATCTGAAACCAATTCCTTGTCACTCAGACCAACTCCCTGGCTTTCAGACTGATGCCTC-3'

ClinVar aggregate classification (germline): Uncertain significance. Review status: criteria provided, multiple submitters, no conflicts (2 of 4 stars). 4 submissions from 4 submitters: Uncertain significance (3). 1 of the submissions does not count toward it. Last evaluated 2023-08-16.

Conditions:
Hereditary breast ovarian cancer syndrome. Also called: Breast and ovarian cancer; Hereditary breast and ovarian cancer syndrome (HBOC); Hereditary breast and ovarian cancer syndrome; Hereditary breast and/or ovarian cancer syndrome; Hereditary breast and ovarian cancer; BRCA1- and BRCA2-Associated Hereditary Breast and Ovarian Cancer. Identifiers: Orphanet 145, MedGen C0677776, MeSH D061325, MONDO:0003582. Disease mechanism: loss of function.
Hereditary cancer-predisposing syndrome. Also called: Neoplastic Syndromes, Hereditary; Hereditary neoplastic syndrome; Tumor predisposition; Hereditary Cancer Syndrome. Identifiers: Orphanet 140162, MedGen C0027672, MeSH D009386, MONDO:0015356.
Familial cancer of breast. Also called: BREAST CANCER, FAMILIAL; Hereditary breast cancer; hereditary breast carcinoma. Identifiers: Orphanet 227535, MedGen C0346153, MONDO:0016419, OMIM 114480. Disease mechanism: loss of function.

Submissions (4):

Labcorp Genetics (formerly Invitae), Labcorp
Classification: Uncertain significance for Hereditary breast ovarian cancer syndrome. Last evaluated: 2023-08-16. Review status: criteria provided, single submitter. Criteria: Invitae Variant Classification Sherloc (09022015). Collection method: clinical testing. Allele origin: germline.
Comment: This variant, c.4032_4034del, results in the deletion of 1 amino acid(s) of the BRCA1 protein (p.Asp1344del), but otherwise preserves the integrity of the reading frame. In summary, the available evidence is currently insufficient to determine the role of this variant in disease. Therefore, it has been classified as a Variant of Uncertain Significance. Experimental studies and prediction algorithms are not available or were not evaluated, and the functional significance of this variant is currently unknown. ClinVar contains an entry for this variant (Variation ID: 55078). This variant is also known as c.4146del3 (p.D1343del). This variant has been observed in individual(s) with breast cancer (PMID: 17990525). This variant is not present in population databases (gnomAD no frequency).

Color Diagnostics, LLC DBA Color Health
Classification: Uncertain significance for Hereditary cancer-predisposing syndrome. Last evaluated: 2023-06-01. Review status: criteria provided, single submitter. Criteria: ACMG Guidelines, 2015. Collection method: clinical testing. Allele origin: germline.
Comment: This variant causes an in-frame deletion of one amino acid at codon 1344 of the BRCA1 protein. This variant is also known as 4163del3 and p.D1343del in the literature. To our knowledge, functional studies have not been reported for this variant. This variant has been reported in an individual affected with breast cancer (PMID: 17990525). This variant has not been identified in the general population by the Genome Aggregation Database (gnomAD). Available evidence is insufficient to determine the role of this variant in disease conclusively. Therefore, this variant is classified as a Variant of Uncertain Significance.

Ambry Genetics
Classification: Uncertain significance for Hereditary cancer-predisposing syndrome. Last evaluated: 2021-09-03. Review status: criteria provided, single submitter. Criteria: Ambry Variant Classification Scheme 2023. Collection method: clinical testing. Allele origin: germline.
Comment: The c.4032_4034delTGA variant (also known as p.D1344del) is located in coding exon 9 of the BRCA1 gene. This variant results from an in-frame TGA deletion at nucleotide positions 4032 to 4034. This results in the in-frame deletion of an aspartic acid at codon 1344. This amino acid position is well conserved in available vertebrate species. In addition, the in silico prediction for this alteration is inconclusive (Choi Y et al. PLoS ONE. 2012; 7(10):e46688). Since supporting evidence is limited at this time, the clinical significance of this alteration remains unclear.

ClinVar Staff, National Center for Biotechnology Information (NCBI)
No classification provided. Condition: Familial cancer of breast. Review status: no classification provided. Collection method: literature only. Allele origin: germline. Affected: yes. Not counted in ClinVar's aggregate classification.

Literature cited by the submitters: PubMed 17990525 (cited by 3 submitters).